The following is an entry in ClinVar:

NM_014014.5(SNRNP200):c.2743-8_2743-7delinsAA

Gene: SNRNP200 (small nuclear ribonucleoprotein U5 subunit 200; minus strand). Cytogenetic location: 2q11.2.
Variant type: Indel.
Coding change: c.2743-8_2743-7delinsAA on transcript NM_014014.5 (MANE Select); 8 bases into the intron before coding-DNA position 2743 through 7 bases into the intron before coding-DNA position 2743, TC replaced by AA.
Molecular consequence: intron variant.
Genome position (GRCh38, 1-based): chr2:96,290,003-96,290,004, GA replaced by TT on the plus strand (TC replaced by AA on the coding strand, the reverse complement: SNRNP200 is on the minus strand). VCF-style: chr2-96290003-GA-TT. GRCh37 (hg19) VCF-style: chr2-96955741-GA-TT.
Identifiers: ClinVar variation 3017249 (VCV003017249.3), dbSNP rs2467335048, ClinGen allele CA2740095672.

ClinVar aggregate classification (germline): Uncertain significance (1 of 4 stars; one submission).

Submission:

Labcorp Genetics (formerly Invitae), Labcorp
Classification: Uncertain significance. Last evaluated: 2023-03-17. Review status: criteria provided, single submitter. Criteria: Invitae Variant Classification Sherloc (09022015). Collection method: clinical testing. Allele origin: germline.
Comment: This sequence change falls in intron 20 of the SNRNP200 gene. It does not directly change the encoded amino acid sequence of the SNRNP200 protein. Information on the frequency of this variant in the gnomAD database is not available, as this variant may be reported differently in the database. This variant has not been reported in the literature in individuals affected with SNRNP200-related conditions. Experimental studies and prediction algorithms are not available or were not evaluated, and the effect of this variant on mRNA splicing is currently unknown. In summary, the available evidence is currently insufficient to determine the role of this variant in disease. Therefore, it has been classified as a Variant of Uncertain Significance.